The following is an entry in ClinVar:

NM_001372044.2(SHANK3):c.5202del (p.Phe1735fs)

Gene: SHANK3 (SH3 and multiple ankyrin repeat domains 3; plus strand). Cytogenetic location: 22q13.33.
Variant type: Deletion.
Coding change: c.5202del on transcript NM_001372044.2 (MANE Select); coding-DNA position 5202, one base deleted (C; older notation c.5202delC).
Protein change: p.Phe1735fs; shifts the reading frame from phenylalanine 1735.
Molecular consequence: frameshift variant.
Genome position (GRCh38, 1-based): chr22:50,731,093, C deleted; the last of 3 consecutive C bases (chr22:50,731,091-50,731,093); deleting any one gives the same sequence. VCF-style (leftmost placement, unchanged base first): chr22-50731090-AC-A. GRCh37 (hg19) VCF-style: chr22-51169518-AC-A.
Other names: short protein forms F1735fs.
Identifiers: ClinVar variation 4854741 (VCV004854741.1).

ClinVar aggregate classification (germline): Uncertain significance (1 of 4 stars; one submission).

Conditions:
Phelan-McDermid syndrome. Also called: Phelan-McDermid Syndrome-SHANK3 Related; TELOMERIC 22q13 MONOSOMY SYNDROME; 22q13.3 deletion syndrome. Identifiers: Orphanet 48652, MedGen C1853490, MONDO:0011652, OMIM 606232.

Submission:

3billion
Classification: Uncertain significance for Phelan-McDermid syndrome. Last evaluated: 2025-10-02. Review status: criteria provided, single submitter. Criteria: ACMG Guidelines, 2015. Collection method: clinical testing. Allele origin: germline. Affected: yes.
Comment: The variant is not observed in the gnomAD v4.1.0 dataset. Predicted Consequence/Location: Frameshift: predicted to result in a loss or disruption of normal protein function through protein truncation. The predicted truncated protein may be shortened by less than 10%. Therefore, this variant is classified as VUS according to the recommendation of ACMG/AMP guideline.